The following is an entry in ClinVar:

NM_017534.6(MYH2):c.2471T>C (p.Ile824Thr)

Genes: MYH2 (myosin heavy chain 2; minus strand), MYHAS (myosin heavy chain gene cluster antisense RNA; plus strand). Cytogenetic location: 17p13.1.
Variant type: single nucleotide variant.
Coding change: c.2471T>C on transcript NM_017534.6 (MANE Select); coding-DNA position 2471, T replaced by C.
Protein change: p.Ile824Thr; replaces isoleucine 824 with threonine.
Molecular consequence: missense variant.
Genome position (GRCh38, 1-based): chr17:10,531,859, A>G on the plus strand (T>C on the coding strand, the complement: MYH2 is on the minus strand). VCF-style: chr17-10531859-A-G. GRCh37 (hg19) VCF-style: chr17-10435176-A-G.
Other names: c.2471T>C, p.Ile824Thr (NM_001100112.2); short protein forms I824T.
Identifiers: ClinVar variation 2721578 (VCV002721578.3), dbSNP rs745823256, ClinGen allele CA8391114.

ClinVar aggregate classification (germline): Uncertain significance (1 of 4 stars; one submission).

Conditions:
Myopathy, proximal, and ophthalmoplegia (CMYO6). Also called: CONGENITAL MYOPATHY 6 WITH OPHTHALMOPLEGIA; INCLUSION BODY MYOPATHY 3, AUTOSOMAL DOMINANT; MYOPATHY WITH CONGENITAL JOINT CONTRACTURES, OPHTHALMOPLEGIA, AND RIMMED VACUOLES. Identifiers: Orphanet 363677, Orphanet 79091, MedGen C1854106, MONDO:0011577, OMIM 605637.

Allele frequency attached by ClinVar (database versions not stated): gnomAD exomes below 0.00001; TOPMed below 0.00001; ExAC 0.00001.
gnomAD v4.1: 1 of 1,614,118 alleles (0.000062%); highest among the groups gnomAD compares: Admixed American, 0.0017%; no homozygotes.

Submission:

Labcorp Genetics (formerly Invitae), Labcorp
Classification: Uncertain significance for Myopathy, proximal, and ophthalmoplegia. Last evaluated: 2023-02-19. Review status: criteria provided, single submitter. Criteria: Invitae Variant Classification Sherloc (09022015). Collection method: clinical testing. Allele origin: germline.
Comment: This sequence change replaces isoleucine, which is neutral and non-polar, with threonine, which is neutral and polar, at codon 824 of the MYH2 protein (p.Ile824Thr). In summary, the available evidence is currently insufficient to determine the role of this variant in disease. Therefore, it has been classified as a Variant of Uncertain Significance. Advanced modeling of protein sequence and biophysical properties (such as structural, functional, and spatial information, amino acid conservation, physicochemical variation, residue mobility, and thermodynamic stability) performed at Invitae indicates that this missense variant is expected to disrupt MYH2 protein function. This variant has not been reported in the literature in individuals affected with MYH2-related conditions. This variant is present in population databases (rs745823256, gnomAD 0.003%).